The following is an entry in ClinVar:

NM_001378969.1(KCND3):c.491G>A (p.Ser164Asn)

Gene: KCND3 (potassium voltage-gated channel subfamily D member 3; minus strand). Cytogenetic location: 1p13.2.
Variant type: single nucleotide variant.
Coding change: c.491G>A on transcript NM_001378969.1 (MANE Select); coding-DNA position 491, G replaced by A.
Protein change: p.Ser164Asn; replaces serine 164 with asparagine.
Molecular consequence: missense variant.
Genome position (GRCh38, 1-based): chr1:111,982,236, C>T on the plus strand (G>A on the coding strand, the complement: KCND3 is on the minus strand). VCF-style: chr1-111982236-C-T. GRCh37 (hg19) VCF-style: chr1-112524858-C-T.
Other names: c.491G>A, p.Ser164Asn (NM_001378970.1, NM_004980.5, NM_172198.3); short protein forms S164N.
Identifiers: ClinVar variation 1744107 (VCV001744107.2), dbSNP rs2101997741, ClinGen allele CA341822019.

ClinVar aggregate classification (germline): Uncertain significance (1 of 4 stars; one submission).

Conditions:
Cardiovascular phenotype. Identifiers: MedGen CN230736.

Submission:

Ambry Genetics
Classification: Uncertain significance for Cardiovascular phenotype. Last evaluated: 2021-11-04. Review status: criteria provided, single submitter. Criteria: Ambry Variant Classification Scheme 2023. Collection method: clinical testing. Allele origin: germline.
Comment: The p.S164N variant (also known as c.491G>A), located in coding exon 1 of the KCND3 gene, results from a G to A substitution at nucleotide position 491. The serine at codon 164 is replaced by asparagine, an amino acid with highly similar properties. This amino acid position is well conserved in available vertebrate species. In addition, this alteration is predicted to be tolerated by in silico analysis. Since supporting evidence is limited at this time, the clinical significance of this alteration remains unclear.